The following is an entry in ClinVar:

ClinVar aggregate classification (germline): Uncertain significance (1 of 4 stars; one submission).

Conditions:
Retinitis pigmentosa 12 (RP12). Also called: RP WITH OR WITHOUT PPRPE; RP WITH OR WITHOUT PRESERVED PARAARTERIOLE RETINAL PIGMENT EPITHELIUM; RETINITIS PIGMENTOSA WITH OR WITHOUT PARAARTERIOLAR PRESERVATION OF RETINAL PIGMENT EPITHELIUM. Identifiers: Orphanet 791, MedGen C1838647, MONDO:0010818, OMIM 600105.
Leber congenital amaurosis 8 (LCA8). Identifiers: Orphanet 65, MedGen C3151202, MONDO:0013453, OMIM 613835.

Submission:

Labcorp Genetics (formerly Invitae), Labcorp
Classification: Uncertain significance for Leber congenital amaurosis 8; Retinitis pigmentosa 12. Last evaluated: 2024-11-05. Review status: criteria provided, single submitter. Criteria: Invitae Variant Classification Sherloc (09022015). Collection method: clinical testing. Allele origin: germline.
Comment: This sequence change replaces cysteine, which is neutral and slightly polar, with serine, which is neutral and polar, at codon 1211 of the CRB1 protein (p.Cys1211Ser). This variant is not present in population databases (gnomAD no frequency). This variant has not been reported in the literature in individuals affected with CRB1-related conditions. ClinVar contains an entry for this variant (Variation ID: 1720025). Invitae Evidence Modeling of protein sequence and biophysical properties (such as structural, functional, and spatial information, amino acid conservation, physicochemical variation, residue mobility, and thermodynamic stability) indicates that this missense variant is expected to disrupt CRB1 protein function with a positive predictive value of 95%. In summary, the available evidence is currently insufficient to determine the role of this variant in disease. Therefore, it has been classified as a Variant of Uncertain Significance.

NM_201253.3(CRB1):c.3631T>A (p.Cys1211Ser)

Gene: CRB1 (crumbs cell polarity complex component 1; plus strand). Cytogenetic location: 1q31.3.
Variant type: single nucleotide variant.
Coding change: c.3631T>A on transcript NM_201253.3 (MANE Select); coding-DNA position 3631, T replaced by A.
Protein change: p.Cys1211Ser; replaces cysteine 1211 with serine.
Molecular consequence: missense variant. On other transcripts: non-coding transcript variant (2), intron variant (1).
Genome position (GRCh38, 1-based): chr1:197,435,494, T>A. VCF-style: chr1-197435494-T-A. GRCh37 (hg19) VCF-style: chr1-197404624-T-A.
Other names: c.3295T>A, p.Cys1099Ser (NM_001193640.2); c.3559T>A, p.Cys1187Ser (NM_001257965.2); c.2129-106T>A (NM_001257966.2); short protein forms C1099S, C1187S, C1211S.
Identifiers: ClinVar variation 1720025 (VCV001720025.5), dbSNP rs2528204526, ClinGen allele CA344050060.